The following is an entry in ClinVar:

ClinVar aggregate classification (germline): Uncertain significance (1 of 4 stars; one submission).

Conditions:
Alstrom syndrome (ALMS). Identifiers: Orphanet 64, MedGen C0268425, MONDO:0008763, OMIM 203800.

Submission:

Labcorp Genetics (formerly Invitae), Labcorp
Classification: Uncertain significance for Alstrom syndrome. Last evaluated: 2021-12-21. Review status: criteria provided, single submitter. Criteria: Invitae Variant Classification Sherloc (09022015). Collection method: clinical testing. Allele origin: germline.
Comment: This sequence change replaces valine, which is neutral and non-polar, with phenylalanine, which is neutral and non-polar, at codon 2122 of the ALMS1 protein (p.Val2122Phe). This variant is not present in population databases (gnomAD no frequency). This variant has not been reported in the literature in individuals affected with ALMS1-related conditions. Experimental studies and prediction algorithms are not available or were not evaluated, and the functional significance of this variant is currently unknown. In summary, the available evidence is currently insufficient to determine the role of this variant in disease. Therefore, it has been classified as a Variant of Uncertain Significance.

NM_001378454.1(ALMS1):c.6361G>T (p.Val2121Phe)

Gene: ALMS1 (ALMS1 centrosome and basal body associated protein; plus strand). Cytogenetic location: 2p13.1.
Variant type: single nucleotide variant.
Coding change: c.6361G>T on transcript NM_001378454.1 (MANE Select); coding-DNA position 6361, G replaced by T.
Protein change: p.Val2121Phe; replaces valine 2121 with phenylalanine.
Molecular consequence: missense variant.
Genome position (GRCh38, 1-based): chr2:73,452,888, G>T. VCF-style: chr2-73452888-G-T. GRCh37 (hg19) VCF-style: chr2-73680015-G-T.
Other names: c.6364G>T, p.Val2122Phe (NM_015120.4); short protein forms V2121F, V2122F.
Identifiers: ClinVar variation 2157397 (VCV002157397.4), dbSNP rs200368564, ClinGen allele CA347285810.